The following is an entry in ClinVar:

ClinVar aggregate classification (germline): Conflicting classifications of pathogenicity. Review status: criteria provided, conflicting classifications (1 of 4 stars). 7 submissions from 7 submitters: Uncertain significance (5); Likely benign (1). 1 of the submissions does not count toward it. Last evaluated 2025-02-26.

Conditions:
Long QT syndrome (LQTS). Identifiers: MedGen C0023976, MeSH D008133, MONDO:0002442. Disease mechanism: loss of function. Inheritance: Various modes of inheritance.
Glycogen storage disease, type II (IOPD). Also called: Glucosidase acid-1,4-alpha deficiency; Glycogen storage disease type 2; Acid maltase deficiency disease; Aglucosidase alfa; Deficiency of alpha-glucosidase; Deficiency of lysosomal alpha-glucosidase. Identifiers: Orphanet 365, MedGen C0017921, MONDO:0009290, OMIM 232300.

Allele frequency attached by ClinVar (database versions not stated): gnomAD exomes 0.00002 and 0.00003; ExAC 0.00003; gnomAD 0.00011 and 0.00012; TOPMed 0.00018; ESP Exome Variant Server 0.00023.
gnomAD v4.1: 45 of 1,612,406 alleles (0.0028%); highest among the groups gnomAD compares: African/African-American, 0.049%; no homozygotes.

Submissions (7):

Revvity Omics, Revvity
Classification: Uncertain significance. Last evaluated: 2025-02-26. Review status: criteria provided, single submitter. Criteria: ACMG Guidelines, 2015. Collection method: clinical testing. Allele origin: germline.

Labcorp Genetics (formerly Invitae), Labcorp
Classification: Uncertain significance for Glycogen storage disease, type II. Last evaluated: 2022-10-07. Review status: criteria provided, single submitter. Criteria: Invitae Variant Classification Sherloc (09022015). Collection method: clinical testing. Allele origin: germline.
Comment: This sequence change replaces glutamine, which is neutral and polar, with arginine, which is basic and polar, at codon 121 of the GAA protein (p.Gln121Arg). This variant is present in population databases (rs150284874, gnomAD 0.04%). This variant has not been reported in the literature in individuals affected with GAA-related conditions. ClinVar contains an entry for this variant (Variation ID: 284483). Advanced modeling of protein sequence and biophysical properties (such as structural, functional, and spatial information, amino acid conservation, physicochemical variation, residue mobility, and thermodynamic stability) performed at Invitae indicates that this missense variant is not expected to disrupt GAA protein function. In summary, the available evidence is currently insufficient to determine the role of this variant in disease. Therefore, it has been classified as a Variant of Uncertain Significance.

Genome-Nilou Lab
Classification: Uncertain significance for Glycogen storage disease, type II. Last evaluated: 2021-07-22. Review status: criteria provided, single submitter. Criteria: ACMG Guidelines, 2015. Collection method: clinical testing. Allele origin: germline. Affected: no.

GeneDx
Classification: Uncertain significance. Last evaluated: 2019-05-30. Review status: criteria provided, single submitter. Criteria: GeneDx Variant Classification Process June 2021. Collection method: clinical testing. Allele origin: germline. Affected: yes.
Comment: In silico analysis, which includes protein predictors and evolutionary conservation, supports that this variant does not alter protein structure/function; Has not been previously published as pathogenic or benign to our knowledge

Center for Advanced Laboratory Medicine, UC San Diego Health, University of California San Diego
Classification: Likely benign for Long QT Syndrome. Last evaluated: 2018-05-15. Review status: criteria provided, single submitter. Criteria: ACMG Guidelines, 2015. Collection method: clinical testing. Allele origin: germline. Affected: yes. Observed: 1 variant allele.

Eurofins Ntd Llc (ga)
Classification: Uncertain significance. Last evaluated: 2016-05-31. Review status: criteria provided, single submitter. Criteria: EGL Classification Definitions 2015. Collection method: clinical testing. Allele origin: germline. Observed: 1 variant allele, 1 heterozygote.

Natera, Inc.
Classification: Uncertain significance for Glycogen storage disease type II. Last evaluated: 2019-10-28. Review status: no assertion criteria provided. Collection method: clinical testing. Allele origin: germline. Not counted in ClinVar's aggregate classification.

NM_000152.5(GAA):c.362A>G (p.Gln121Arg)

Gene: GAA (alpha glucosidase; plus strand). Cytogenetic location: 17q25.3.
Variant type: single nucleotide variant.
Coding change: c.362A>G on transcript NM_000152.5 (MANE Select); coding-DNA position 362, A replaced by G.
Protein change: p.Gln121Arg; replaces glutamine 121 with arginine.
Molecular consequence: missense variant.
Genome position (GRCh38, 1-based): chr17:80,104,948, A>G. VCF-style: chr17-80104948-A-G. GRCh37 (hg19) VCF-style: chr17-78078747-A-G.
Other names: c.362A>G (LRG_673t1); c.362A>G, p.Gln121Arg (NM_001079803.3, NM_001079804.3); short protein forms Q121R.
Identifiers: ClinVar variation 284483 (VCV000284483.17), dbSNP rs150284874, ClinGen allele CA8814857.